The following is an entry in ClinVar:

ClinVar aggregate classification (germline): Uncertain significance (1 of 4 stars; one submission).

Conditions:
Primary ciliary dyskinesia 3. Identifiers: Orphanet 244, MedGen C1837618, MONDO:0012085, OMIM 608644.

gnomAD v4.1: 1 of 1,614,078 alleles (0.000062%); highest among the groups gnomAD compares: Non-Finnish European, 0.000085%; no homozygotes.

Submission:

Juno Genomics, Hangzhou Juno Genomics, Inc
Classification: Uncertain significance for Primary ciliary dyskinesia 3. Review status: criteria provided, single submitter. Criteria: ACMG Guidelines, 2015. Collection method: clinical testing. Allele origin: germline. Affected: yes.
Comment: Absent from controls (or at extremely low frequency if recessive) in Genome Aggregation Database, Exome Sequencing Project, 1000 Genomes Project, or Exome Aggregation Consortium.;Multiple lines of computational evidence support a deleterious effect on the gene or gene product (conservation, evolutionary, splicing impact, etc).;For recessive disorders, detected in trans with a pathogenic variant.

NM_001369.3(DNAH5):c.10101G>C (p.Gln3367His)

Gene: DNAH5 (dynein axonemal heavy chain 5; minus strand). Cytogenetic location: 5p15.2.
Variant type: single nucleotide variant.
Coding change: c.10101G>C on transcript NM_001369.3 (MANE Select); coding-DNA position 10101, G replaced by C.
Protein change: p.Gln3367His; replaces glutamine 3367 with histidine.
Molecular consequence: missense variant.
Genome position (GRCh38, 1-based): chr5:13,765,976, C>G on the plus strand (G>C on the coding strand, the complement: DNAH5 is on the minus strand). VCF-style: chr5-13765976-C-G. GRCh37 (hg19) VCF-style: chr5-13766085-C-G.
Other names: short protein forms Q3367H.
Identifiers: ClinVar variation 4072419 (VCV004072419.2).
Genomic context (GRCh38, chr5:13,765,976, plus strand): 5'-GGACTCATACACCAGTGAAGAATGAGTTCCCTCTTAGCCCATCACCACTGAACTACCAAC[C>G]TGTAAGTTCTGTAAAAAGTTCCCTGCAGTCATCAATTTTAAGGATTCCTGCCAGGAGGGC-3'
Protein context (NP_001360.1, residues 3357-3377): MTAGNFLQNL[Gln3367His]QFPKDTINEE